The following is an entry in ClinVar:

ClinVar aggregate classification (germline): Uncertain significance (1 of 4 stars; one submission).

Submission:

Labcorp Genetics (formerly Invitae), Labcorp
Classification: Uncertain significance. Last evaluated: 2022-06-22. Review status: criteria provided, single submitter. Criteria: Invitae Variant Classification Sherloc (09022015). Collection method: clinical testing. Allele origin: germline.
Comment: In summary, the available evidence is currently insufficient to determine the role of this variant in disease. Therefore, it has been classified as a Variant of Uncertain Significance. This variant has not been reported in the literature in individuals affected with PAFAH1B1-related conditions. This variant results in a copy number gain of the genomic region encompassing exon(s) 10-11 of the PAFAH1B1 gene. This region includes the termination codon of the gene. This copy number gain extends beyond the assayed region for this gene and therefore may encompass additional genes. As the precise location of this event is unknown, it may be in tandem or it may be located elsewhere in the genome.

NC_000017.10:g.(?_2583438)_(2585096_?)dup

Gene: PAFAH1B1 (platelet activating factor acetylhydrolase 1b regulatory subunit 1; plus strand). Cytogenetic location: 17p13.3.
Variant type: Duplication.
Identifiers: ClinVar variation 2423076 (VCV002423076.4).